The following is an entry in ClinVar:

NM_001378452.1(ITPR1):c.4811G>A (p.Arg1604Lys)

Genes: BRRIAR (BHLHE40 and RIG-I regulating ITPR1 antisense RNA; minus strand), ITPR1 (inositol 1,4,5-trisphosphate receptor type 1; plus strand). Cytogenetic location: 3p26.1.
Variant type: single nucleotide variant.
Coding change: c.4811G>A on transcript NM_001378452.1 (MANE Select); coding-DNA position 4811, G replaced by A.
Protein change: p.Arg1604Lys; replaces arginine 1604 with lysine.
Molecular consequence: missense variant.
Genome position (GRCh38, 1-based): chr3:4,706,320, G>A. VCF-style: chr3-4706320-G-A. GRCh37 (hg19) VCF-style: chr3-4748004-G-A.
Other names: c.4784G>A, p.Arg1595Lys (NM_001099952.4); c.4766G>A, p.Arg1589Lys (NM_001168272.2); c.4739G>A, p.Arg1580Lys (NM_002222.7); short protein forms R1580K, R1589K, R1595K, R1604K.
Identifiers: ClinVar variation 4811073 (VCV004811073.1).

ClinVar aggregate classification (germline): Uncertain significance (1 of 4 stars; one submission).

Submission:

Labcorp Genetics (formerly Invitae), Labcorp
Classification: Uncertain significance. Last evaluated: 2025-04-08. Review status: criteria provided, single submitter. Criteria: Invitae Variant Classification Sherloc (09022015). Collection method: clinical testing. Allele origin: germline.
Comment: This sequence change replaces arginine, which is basic and polar, with lysine, which is basic and polar, at codon 1580 of the ITPR1 protein (p.Arg1580Lys). This variant is not present in population databases (gnomAD no frequency). This variant has not been reported in the literature in individuals affected with ITPR1-related conditions. Invitae Evidence Modeling of protein sequence and biophysical properties (such as structural, functional, and spatial information, amino acid conservation, physicochemical variation, residue mobility, and thermodynamic stability) indicates that this missense variant is not expected to disrupt ITPR1 protein function with a negative predictive value of 95%. In summary, the available evidence is currently insufficient to determine the role of this variant in disease. Therefore, it has been classified as a Variant of Uncertain Significance.